The following is an entry in ClinVar:

ClinVar aggregate classification (germline): Uncertain significance (1 of 4 stars; one submission).

Conditions:
Hereditary cancer-predisposing syndrome. Also called: Neoplastic Syndromes, Hereditary; Hereditary Cancer Syndrome; Tumor predisposition; Hereditary neoplastic syndrome. Identifiers: Orphanet 140162, MedGen C0027672, MeSH D009386, MONDO:0015356.

Submission:

Ambry Genetics
Classification: Uncertain significance for Hereditary cancer-predisposing syndrome. Last evaluated: 2023-02-09. Review status: criteria provided, single submitter. Criteria: Ambry Variant Classification Scheme 2023. Collection method: clinical testing. Allele origin: germline.
Comment: The p.H1820Q variant (also known as c.5460C>A), located in coding exon 40 of the POLE gene, results from a C to A substitution at nucleotide position 5460. The histidine at codon 1820 is replaced by glutamine, an amino acid with highly similar properties. This amino acid position is conserved. In addition, the in silico prediction for this alteration is inconclusive. Since supporting evidence is limited at this time, the clinical significance of this alteration remains unclear.

NM_006231.4(POLE):c.5460C>A (p.His1820Gln)

Gene: POLE (DNA polymerase epsilon, catalytic subunit; minus strand). Cytogenetic location: 12q24.33.
Variant type: single nucleotide variant.
Coding change: c.5460C>A on transcript NM_006231.4 (MANE Select); coding-DNA position 5460, C replaced by A.
Protein change: p.His1820Gln; replaces histidine 1820 with glutamine.
Molecular consequence: missense variant.
Genome position (GRCh38, 1-based): chr12:132,639,217, G>T on the plus strand (C>A on the coding strand, the complement: POLE is on the minus strand). VCF-style: chr12-132639217-G-T. GRCh37 (hg19) VCF-style: chr12-133215803-G-T.
Other names: short protein forms H1820Q.
Identifiers: ClinVar variation 2447944 (VCV002447944.2), dbSNP rs2138509958, ClinGen allele CA387374736.